The following is an entry in ClinVar:

NM_001267550.2(TTN):c.4247G>A (p.Arg1416His)

Genes: TTN (titin; minus strand), LOC101927055 (uncharacterized LOC101927055; plus strand). Cytogenetic location: 2q31.2.
Variant type: single nucleotide variant.
Coding change: c.4247G>A on transcript NM_001267550.2 (MANE Select); coding-DNA position 4247, G replaced by A.
Protein change: p.Arg1416His; replaces arginine 1416 with histidine.
Molecular consequence: missense variant. On other transcripts: non-coding transcript variant (1).
Genome position (GRCh38, 1-based): chr2:178,777,937, C>T on the plus strand (G>A on the coding strand, the complement: TTN is on the minus strand). VCF-style: chr2-178777937-C-T. GRCh37 (hg19) VCF-style: chr2-179642664-C-T.
Other names: p.R1416H:CGC>CAC; p.Arg1416His; c.4247G>A, p.Arg1416His (NM_001256850.1, NM_133378.4, NM_133379.5); c.4109G>A, p.Arg1370His (NM_003319.4, NM_133432.3, NM_133437.4); short protein forms R1416H, R1370H.
Identifiers: ClinVar variation 203125 (VCV000203125.15), dbSNP rs750278602, ClinGen allele CA311329.

ClinVar aggregate classification (germline): Conflicting classifications of pathogenicity. Review status: criteria provided, conflicting classifications (1 of 4 stars). 6 submissions from 6 submitters: Uncertain significance (4); Likely benign (2). Last evaluated 2026-09-18.

Conditions:
TTN-related disorder. Also called: TTN-related condition; TTN-related disease; TTN-related disorders.

Allele frequency attached by ClinVar (database versions not stated): ExAC 0.00002; gnomAD exomes 0.00002; gnomAD 0.00006; TOPMed 0.00010.
gnomAD v4.1: 64 of 1,613,822 alleles (0.004%); highest among the groups gnomAD compares: African/African-American, 0.0053%; no homozygotes.

Submissions (6):

PreventionGenetics, part of Exact Sciences
Classification: Uncertain significance for TTN-related condition. Last evaluated: 2026-09-18. Review status: criteria provided, single submitter. Criteria: ACMG Guidelines, 2015. Collection method: clinical testing. Allele origin: germline.
Comment: The TTN c.4247G>A variant is predicted to result in the amino acid substitution p.Arg1416His. This variant has been reported in an individual with hypertrophic cardiomyopathy (Supplementary file 2, van Lint et al. 2019. PubMed ID: 30847666). This variant is reported in 0.0055% of alleles in individuals of European (Non-Finnish) descent in gnomAD. At this time, the clinical significance of this variant is uncertain due to the absence of conclusive functional and genetic evidence.

Mayo Clinic Laboratories, Mayo Clinic
Classification: Uncertain significance. Last evaluated: 2025-08-18. Review status: criteria provided, single submitter. Criteria: ACMG Guidelines, 2015. Collection method: clinical testing. Allele origin: germline. Observed: 1 variant allele.
Comment: BP4

Blueprint Genetics
Classification: Likely benign. Last evaluated: 2023-12-05. Review status: criteria provided, single submitter. Criteria: ACMG Guidelines, 2015. Collection method: clinical testing. Allele origin: germline.

Revvity Omics, Revvity
Classification: Uncertain significance. Last evaluated: 2019-12-10. Review status: criteria provided, single submitter. Criteria: ACMG Guidelines, 2015. Collection method: clinical testing. Allele origin: germline.

GeneDx
Classification: Likely benign. Last evaluated: 2019-09-16. Review status: criteria provided, single submitter. Criteria: GeneDx Variant Classification Process June 2021. Collection method: clinical testing. Allele origin: germline. Affected: yes.
Comment: This variant is associated with the following publications: (PMID: 30847666)

Eurofins Ntd Llc (ga)
Classification: Uncertain significance. Last evaluated: 2017-02-28. Review status: criteria provided, single submitter. Criteria: EGL Classification Definitions 2015. Collection method: clinical testing. Allele origin: germline. Observed: 1 variant allele, 1 heterozygote.

Literature cited by the submitters: PubMed 30847666 (cited by Mayo Clinic Laboratories, Mayo Clinic).